The following is an entry in ClinVar:

NM_001148.6(ANK2):c.6460C>T (p.Arg2154Cys)

Gene: ANK2 (ankyrin 2; plus strand). Cytogenetic location: 4q26.
Variant type: single nucleotide variant.
Coding change: c.6460C>T on transcript NM_001148.6 (MANE Select); coding-DNA position 6460, C replaced by T.
Protein change: p.Arg2154Cys; replaces arginine 2154 with cysteine.
Molecular consequence: missense variant. On other transcripts: intron variant (68).
Genome position (GRCh38, 1-based): chr4:113,355,078, C>T. VCF-style: chr4-113355078-C-T. GRCh37 (hg19) VCF-style: chr4-114276234-C-T.
Other names: c.6226C>T, p.Arg2076Cys (NM_001386142.1); c.2860C>T, p.Arg954Cys (NM_001386166.1); c.6601C>T, p.Arg2201Cys (NM_001386174.1); c.6577C>T, p.Arg2193Cys (NM_001386175.1); c.4411+4829C>T (NM_001386186.2, NM_001386148.2); c.4213+4829C>T (NM_001354269.3); c.4291+4829C>T (NM_001386187.2); c.4252+4829C>T (NM_001386147.1); and 35 more; short protein forms R2076C, R2154C, R954C, R2201C, R2193C.
Identifiers: ClinVar variation 3711351 (VCV003711351.4).

ClinVar aggregate classification (germline): Conflicting classifications of pathogenicity. Review status: criteria provided, conflicting classifications (1 of 4 stars). 3 submissions from 3 submitters: Uncertain significance (1); Likely benign (2). Last evaluated 2026-01-19.

Conditions:
Cardiovascular phenotype. Identifiers: MedGen CN230736.
Long QT syndrome (LQTS). Identifiers: MedGen C0023976, MeSH D008133, MONDO:0002442. Disease mechanism: loss of function. Inheritance: Various modes of inheritance.

gnomAD v4.1: 11 of 1,614,062 alleles (0.00068%); highest among the groups gnomAD compares: South Asian, 0.0033%; no homozygotes.

Submissions (3):

Labcorp Genetics (formerly Invitae), Labcorp
Classification: Uncertain significance for Long QT syndrome. Last evaluated: 2026-01-19. Review status: criteria provided, single submitter. Criteria: Invitae Variant Classification Sherloc (09022015). Collection method: clinical testing. Allele origin: germline.
Comment: This sequence change replaces arginine, which is basic and polar, with cysteine, which is neutral and slightly polar, at codon 2154 of the ANK2 protein (p.Arg2154Cys). This variant is present in population databases (rs767226942, gnomAD 0.004%). This variant has not been reported in the literature in individuals affected with ANK2-related conditions. ClinVar contains an entry for this variant (Variation ID: 3711351). An algorithm developed to predict the effect of missense changes on protein structure and function outputs the following: PolyPhen-2: "Benign". The cysteine amino acid residue is found in multiple mammalian species, which suggests that this missense change does not adversely affect protein function. In summary, the available evidence is currently insufficient to determine the role of this variant in disease. Therefore, it has been classified as a Variant of Uncertain Significance.

Ambry Genetics
Classification: Likely benign for Cardiovascular phenotype. Last evaluated: 2025-12-02. Review status: criteria provided, single submitter. Criteria: Ambry Variant Classification Scheme 2023. Collection method: clinical testing. Allele origin: germline.

Blueprint Genetics
Classification: Likely benign. Last evaluated: 2022-12-13. Review status: criteria provided, single submitter. Criteria: ACMG Guidelines, 2015. Collection method: clinical testing. Allele origin: germline.